The following is an entry in ClinVar:

ClinVar aggregate classification (germline): Uncertain significance. Review status: criteria provided, multiple submitters, no conflicts (2 of 4 stars). 2 submissions from 2 submitters: Uncertain significance (2). Last evaluated 2024-10-02.

Conditions:
Hereditary cancer-predisposing syndrome. Also called: Neoplastic Syndromes, Hereditary; Hereditary Cancer Syndrome; Tumor predisposition; Hereditary neoplastic syndrome. Identifiers: Orphanet 140162, MedGen C0027672, MeSH D009386, MONDO:0015356.
Familial adenomatous polyposis 1 (FAP1). Also called: POLYPOSIS, ADENOMATOUS INTESTINAL; FAMILIAL ADENOMATOUS POLYPOSIS 1, ATTENUATED. Identifiers: MedGen C2713442, MONDO:0021056, OMIM 175100. Disease mechanism: loss of function.

Allele frequency attached by ClinVar (database versions not stated): gnomAD exomes below 0.00001.
gnomAD v4.1: 1 of 1,614,086 alleles (0.000062%); highest among the groups gnomAD compares: Admixed American, 0.0017%; no homozygotes.

Submissions (2):

Labcorp Genetics (formerly Invitae), Labcorp
Classification: Uncertain significance for Familial adenomatous polyposis 1. Last evaluated: 2024-10-02. Review status: criteria provided, single submitter. Criteria: Invitae Variant Classification Sherloc (09022015). Collection method: clinical testing. Allele origin: germline.
Comment: This sequence change replaces alanine, which is neutral and non-polar, with valine, which is neutral and non-polar, at codon 597 of the APC protein (p.Ala597Val). This variant is present in population databases (no rsID available, gnomAD 0.003%). This variant has not been reported in the literature in individuals affected with APC-related conditions. ClinVar contains an entry for this variant (Variation ID: 574374). Invitae Evidence Modeling of protein sequence and biophysical properties (such as structural, functional, and spatial information, amino acid conservation, physicochemical variation, residue mobility, and thermodynamic stability) indicates that this missense variant is not expected to disrupt APC protein function with a negative predictive value of 95%. In summary, the available evidence is currently insufficient to determine the role of this variant in disease. Therefore, it has been classified as a Variant of Uncertain Significance.

Ambry Genetics
Classification: Uncertain significance for Hereditary cancer-predisposing syndrome. Last evaluated: 2022-08-12. Review status: criteria provided, single submitter. Criteria: Ambry Variant Classification Scheme 2023. Collection method: clinical testing. Allele origin: germline.
Comment: The p.A597V variant (also known as c.1790C>T), located in coding exon 14 of the APC gene, results from a C to T substitution at nucleotide position 1790. The alanine at codon 597 is replaced by valine, an amino acid with similar properties. This variant as detected in a cohort of 403 individuals that fulfilled the NCCN testing criteria for HBOC (Oliver J et al. Front Oncol, 2019 Dec;9:1429). This amino acid position is highly conserved in available vertebrate species. In addition, in silico predictors for this gene do not accurately predict pathogenicity. Since supporting evidence is limited at this time, the clinical significance of this alteration remains unclear.

Literature cited by the submitters: PubMed 31921681 (cited by Ambry Genetics).

NM_000038.6(APC):c.1790C>T (p.Ala597Val)

Gene: APC (APC regulator of Wnt signaling pathway; plus strand). Cytogenetic location: 5q22.2.
Variant type: single nucleotide variant.
Coding change: c.1790C>T on transcript NM_000038.6 (MANE Select); coding-DNA position 1790, C replaced by T.
Protein change: p.Ala597Val; replaces alanine 597 with valine.
Molecular consequence: missense variant.
Genome position (GRCh38, 1-based): chr5:112,834,997, C>T. VCF-style: chr5-112834997-C-T. GRCh37 (hg19) VCF-style: chr5-112170694-C-T.
Other names: c.1790C>T, p.Ala597Val (NM_001127510.3, NM_001354895.2); c.1736C>T, p.Ala579Val (NM_001127511.3); c.1844C>T, p.Ala615Val (NM_001354896.2); c.1820C>T, p.Ala607Val (NM_001354897.2); c.1715C>T, p.Ala572Val (NM_001354898.2); c.1706C>T, p.Ala569Val (NM_001354899.2); c.1667C>T, p.Ala556Val (NM_001354900.2); c.1613C>T, p.Ala538Val (NM_001354901.2); and 5 more; short protein forms A597V, A579V, A471V, A496V, A569V, A506V, A538V, A615V.
Identifiers: ClinVar variation 574374 (VCV000574374.14), dbSNP rs1210985696, ClinGen allele CA16025235.
Genomic context (GRCh38, chr5:112,834,997, plus strand): 5'-CTGTTTCTTACTAGGAATCAACCCTCAAAAGCGTATTGAGTGCCTTATGGAATTTGTCAG[C>T]ACATTGCACTGAGAATAAAGCTGATATATGTGCTGTAGATGGTGCACTTGCATTTTTGGT-3'
Protein context (NP_000029.2, residues 587-607): SVLSALWNLS[Ala597Val]HCTENKADIC